The following is an entry in ClinVar:

ClinVar aggregate classification (germline): Pathogenic/Likely pathogenic. Review status: criteria provided, multiple submitters, no conflicts (2 of 4 stars). 3 submissions from 3 submitters: Pathogenic (2); Likely pathogenic (1). Last evaluated 2023-10-18.

Conditions:
Retinitis pigmentosa 25 (RP25). Identifiers: Orphanet 791, MedGen C1864446, MONDO:0011272, OMIM 602772.
Retinitis pigmentosa (RP). Identifiers: Orphanet 791, MedGen C0035334, MeSH D012174, MONDO:0019200, OMIM 268000. Inheritance: Autosomal dominant, autosomal recessive and X linked inheritance.

Submissions (3):

Women's Health and Genetics/Laboratory Corporation of America, LabCorp
Classification: Pathogenic for Retinitis pigmentosa. Last evaluated: 2023-10-18. Review status: criteria provided, single submitter. Criteria: LabCorp Variant Classification Summary - May 2015. Collection method: clinical testing. Allele origin: germline.
Comment: Variant summary: EYS c.492_499delACTAAATG (p.Leu165AspfsX21) results in a premature termination codon, predicted to cause absence of the protein due to nonsense mediated decay, which is a commonly known mechanism for disease. The variant was absent in 251246 control chromosomes (gnomAD). To our knowledge, no occurrence of c.492_499delACTAAATG in individuals affected with Retinitis Pigmentosa and no experimental evidence demonstrating its impact on protein function have been reported. One submitter has cited a clinical-significance assessments for this variant to ClinVar after 2014 and has classified the variant as pathogenic. Based on the evidence outlined above, the variant was classified as pathogenic.

Labcorp Genetics (formerly Invitae), Labcorp
Classification: Pathogenic. Last evaluated: 2023-08-20. Review status: criteria provided, single submitter. Criteria: Invitae Variant Classification Sherloc (09022015). Collection method: clinical testing. Allele origin: germline.
Comment: This variant has not been reported in the literature in individuals affected with EYS-related conditions. This variant is not present in population databases (gnomAD no frequency). This sequence change creates a premature translational stop signal (p.Leu165Aspfs*21) in the EYS gene. It is expected to result in an absent or disrupted protein product. Loss-of-function variants in EYS are known to be pathogenic (PMID: 18836446, 20333770). ClinVar contains an entry for this variant (Variation ID: 1384730). For these reasons, this variant has been classified as Pathogenic.

Baylor Genetics
Classification: Likely pathogenic for Retinitis pigmentosa 25. Last evaluated: 2023-06-19. Review status: criteria provided, single submitter. Criteria: ACMG Guidelines, 2015. Collection method: clinical testing. Allele origin: unknown.

Literature cited by the submitters: PubMed 18836446 (cited by Labcorp Genetics (formerly Invitae), Labcorp); PubMed 20333770 (cited by Labcorp Genetics (formerly Invitae), Labcorp).

NM_001142800.2(EYS):c.492_499del (p.Leu165fs)

Gene: EYS (EGF-like photoreceptor maintenance factor; minus strand). Cytogenetic location: 6q12.
Variant type: Deletion.
Coding change: c.492_499del on transcript NM_001142800.2 (MANE Select); coding-DNA positions 492 to 499, 8 bases deleted (ACTAAATG; older notation c.492_499delACTAAATG).
Protein change: p.Leu165fs; shifts the reading frame from leucine 165.
Molecular consequence: frameshift variant.
Genome position (GRCh38, 1-based): chr6:65,494,912-65,494,919, CATTTAGT deleted on the plus strand (ACTAAATG on the coding strand, the reverse complement: EYS is on the minus strand); deleting any 8 consecutive bases within chr6:65,494,912-65,494,920 gives the same sequence; the c. name uses the placement nearest the transcript's 3' end. VCF-style (leftmost placement, unchanged base first): chr6-65494911-ACATTTAGT-A. GRCh37 (hg19) VCF-style: chr6-66204804-ACATTTAGT-A.
Other names: c.492_499del, p.Leu165fs (NM_001142801.2, NM_001292009.2, NM_198283.2); c.492_499delACTAAATG (NM_001142800.2); short protein forms L165fs.
Identifiers: ClinVar variation 1384730 (VCV001384730.7), dbSNP rs1270977202, ClinGen allele CA450863835.
Genomic context (GRCh38, chr6:65,494,911, plus strand): 5'-CCATGACCAGAGCAAAATTCTGAACTCAGAGATTCCTGGCAGAACTGCTGTTTCACTGTC[ACATTTAGT>A]CGAAGTCCCAGTGGACAAGGTGATGGACCACTTGCCATAACTGTGATAAAATAATGTGTC-3'